The following is an entry in ClinVar:

ClinVar aggregate classification (germline): Conflicting classifications of pathogenicity. Review status: criteria provided, conflicting classifications (1 of 4 stars). 4 submissions from 4 submitters: Uncertain significance (3); Likely benign (1). Last evaluated 2025-03-13.

Allele frequency attached by ClinVar (database versions not stated): gnomAD exomes 0.00003 and 0.00008; ExAC 0.00007; 1000 Genomes Project 30x 0.00016; 1000 Genomes Project 0.00020; gnomAD 0.00025 and 0.00029; TOPMed 0.00032.
gnomAD v4.1: 87 of 1,613,948 alleles (0.0054%); highest among the groups gnomAD compares: African/African-American, 0.085%; no homozygotes.

Submissions (4):

ARUP Laboratories, Molecular Genetics and Genomics, ARUP Laboratories
Classification: Likely benign. Last evaluated: 2025-03-13. Review status: criteria provided, single submitter. Criteria: ARUP Molecular Germline Variant Investigation Process 2024. Collection method: clinical testing. Allele origin: germline.

Revvity Omics, Revvity
Classification: Uncertain significance. Last evaluated: 2024-09-18. Review status: criteria provided, single submitter. Criteria: ACMG Guidelines, 2015. Collection method: clinical testing. Allele origin: germline.

Blueprint Genetics
Classification: Uncertain significance. Last evaluated: 2023-07-12. Review status: criteria provided, single submitter. Criteria: ACMG Guidelines, 2015. Collection method: clinical testing. Allele origin: germline.

Center for Pediatric Genomic Medicine, Children's Mercy Hospital and Clinics
Classification: Uncertain significance. Last evaluated: 2015-06-04. Review status: criteria provided, single submitter. Criteria: ACMG Guidelines, 2015. Collection method: clinical testing. Allele origin: germline.
ClinVar note: Converted during submission from Uncertain Significance to Uncertain significance.

NM_000178.4(GSS):c.1388C>T (p.Ala463Val)

Gene: GSS (glutathione synthetase; minus strand). Cytogenetic location: 20q11.22.
Variant type: single nucleotide variant.
Coding change: c.1388C>T on transcript NM_000178.4 (MANE Select); coding-DNA position 1388, C replaced by T.
Protein change: p.Ala463Val; replaces alanine 463 with valine.
Molecular consequence: missense variant.
Genome position (GRCh38, 1-based): chr20:34,928,865, G>A on the plus strand (C>T on the coding strand, the complement: GSS is on the minus strand). VCF-style: chr20-34928865-G-A. GRCh37 (hg19) VCF-style: chr20-33516668-G-A.
Other names: c.1388C>T, p.Ala463Val (NM_001322494.1, NM_001322495.1, LRG_1168t1); short protein forms A463V.
Identifiers: ClinVar variation 235504 (VCV000235504.6), dbSNP rs549546640, ClinGen allele CA9825794.